The following is an entry in ClinVar:

ClinVar aggregate classification (germline): Uncertain significance (1 of 4 stars; one submission).

Conditions:
Cardiomyopathy (CMYO). Also called: Cardiomyopathies. Identifiers: Orphanet 167848, MedGen C0878544, MONDO:0004994, HP:0001638. Inheritance: Various modes of inheritance.

Submission:

Color Diagnostics, LLC DBA Color Health
Classification: Uncertain significance for Cardiomyopathy. Last evaluated: 2025-07-07. Review status: criteria provided, single submitter. Criteria: ACMG Guidelines, 2015. Collection method: clinical testing. Allele origin: germline.
Comment: This missense variant replaces methionine with valine at codon 204 of the DSP protein. Computational prediction suggests that this variant may not impact protein structure and function. To our knowledge, functional studies have not been reported for this variant. This variant has not been reported in individuals affected with DSP-related disorders in the literature. This variant has not been identified in the general population by the Genome Aggregation Database (gnomAD). The available evidence is insufficient to determine the role of this variant in disease conclusively. Therefore, this variant is classified as a Variant of Uncertain Significance.

NM_004415.4(DSP):c.610A>G (p.Met204Val)

Gene: DSP (desmoplakin; plus strand). Cytogenetic location: 6p24.3.
Variant type: single nucleotide variant.
Coding change: c.610A>G on transcript NM_004415.4 (MANE Select); coding-DNA position 610, A replaced by G.
Protein change: p.Met204Val; replaces methionine 204 with valine.
Molecular consequence: missense variant.
Genome position (GRCh38, 1-based): chr6:7,562,664, A>G. VCF-style: chr6-7562664-A-G. GRCh37 (hg19) VCF-style: chr6-7562897-A-G.
Other names: c.610A>G, p.Met204Val (NM_001008844.3, NM_001319034.2, NM_001406591.1); short protein forms M204V.
Identifiers: ClinVar variation 4757383 (VCV004757383.1).